The following is an entry in ClinVar:

NM_001128228.3(TPRN):c.1726A>G (p.Met576Val)

Gene: TPRN (taperin; minus strand). Cytogenetic location: 9q34.3.
Variant type: single nucleotide variant.
Coding change: c.1726A>G on transcript NM_001128228.3 (MANE Select); coding-DNA position 1726, A replaced by G.
Protein change: p.Met576Val; replaces methionine 576 with valine.
Molecular consequence: missense variant.
Genome position (GRCh38, 1-based): chr9:137,192,691, T>C on the plus strand (A>G on the coding strand, the complement: TPRN is on the minus strand). VCF-style: chr9-137192691-T-C. GRCh37 (hg19) VCF-style: chr9-140087143-T-C.
Other names: short protein forms M576V.
Identifiers: ClinVar variation 1471116 (VCV001471116.6), dbSNP rs2131348978, ClinGen allele CA375771654.

ClinVar aggregate classification (germline): Uncertain significance (1 of 4 stars; one submission).

Allele frequency attached by ClinVar (database versions not stated): gnomAD exomes below 0.00001.
gnomAD v4.1: 1 of 1,613,552 alleles (0.000062%); highest among the groups gnomAD compares: Non-Finnish European, 0.000085%; no homozygotes.

Submission:

Labcorp Genetics (formerly Invitae), Labcorp
Classification: Uncertain significance. Last evaluated: 2021-10-25. Review status: criteria provided, single submitter. Criteria: Invitae Variant Classification Sherloc (09022015). Collection method: clinical testing. Allele origin: germline.
Comment: In summary, the available evidence is currently insufficient to determine the role of this variant in disease. Therefore, it has been classified as a Variant of Uncertain Significance. Algorithms developed to predict the effect of sequence changes on RNA splicing suggest that this variant may create or strengthen a splice site. Algorithms developed to predict the effect of missense changes on protein structure and function are either unavailable or do not agree on the potential impact of this missense change (SIFT: "Deleterious"; PolyPhen-2: "Probably Damaging"; Align-GVGD: "Class C0"). This variant has not been reported in the literature in individuals affected with TPRN-related conditions. This variant is not present in population databases (ExAC no frequency). This sequence change replaces methionine with valine at codon 576 of the TPRN protein (p.Met576Val). The methionine residue is highly conserved and there is a small physicochemical difference between methionine and valine.